The following is an entry in ClinVar:

NM_000059.4(BRCA2):c.1671_1674del (p.Asp559fs)

Gene: BRCA2 (BRCA2 DNA repair associated; plus strand). Cytogenetic location: 13q13.1.
Variant type: Deletion.
Coding change: c.1671_1674del on transcript NM_000059.4 (MANE Select); coding-DNA positions 1671 to 1674, 4 bases deleted (AATT; older notation c.1671_1674delAATT).
Protein change: p.Asp559fs; shifts the reading frame from aspartic acid 559.
Molecular consequence: frameshift variant.
Genome position (GRCh38, 1-based): chr13:32,333,149-32,333,152, AATT deleted; deleting any 4 consecutive bases within chr13:32,333,147-32,333,152 gives the same sequence; the c. name uses the placement nearest the transcript's 3' end. VCF-style (leftmost placement, unchanged base first): chr13-32333146-TTTAA-T. GRCh37 (hg19) VCF-style: chr13-32907283-TTTAA-T.
Other names: 1899_1902delAATT; c.1671_1674delAATT (NM_000059.3); short protein forms D559fs.
Identifiers: ClinVar variation 266650 (VCV000266650.8), dbSNP rs886040379, ClinGen allele CA10589109.
Genomic context (GRCh38, chr13:32,333,146, plus strand): 5'-TGAAAGTGGACTGGAAATACATACTGTTTGCTCACAGAAGGAGGACTCCTTATGTCCAAA[TTTAA>T]TTGATAATGGAAGCTGGCCAGCCACCACCACACAGAATTCTGTAGCTTTGAAGAATGCAG-3'

ClinVar aggregate classification (germline): Pathogenic. Review status: reviewed by expert panel (3 of 4 stars). 4 submissions from 4 submitters: Pathogenic (1). 3 of the submissions do not count toward it. Last evaluated 2016-10-18.

Conditions:
Hereditary cancer-predisposing syndrome. Also called: Tumor predisposition; Neoplastic Syndromes, Hereditary; Hereditary neoplastic syndrome; Hereditary Cancer Syndrome. Identifiers: Orphanet 140162, MedGen C0027672, MeSH D009386, MONDO:0015356.
Breast-ovarian cancer, familial, susceptibility to, 2 (BROVCA2). Also called: BRCA2 Hereditary Breast and Ovarian Cancer. Identifiers: Orphanet 145, MedGen C2675520, MONDO:0012933, OMIM 612555. Disease mechanism: loss of function.

Submissions (4):

Evidence-based Network for the Interpretation of Germline Mutant Alleles (ENIGMA)
Classification: Pathogenic for Breast-ovarian cancer, familial, susceptibility to, 2. Last evaluated: 2016-10-18. Review status: reviewed by expert panel. Criteria: ENIGMA BRCA1/2 Classification Criteria (2015). Collection method: curation. Allele origin: germline.
Comment: Variant allele predicted to encode a truncated non-functional protein.

Myriad Genetics, Inc.
Classification: Pathogenic for Breast-ovarian cancer, familial, susceptibility to, 2. Last evaluated: 2023-12-28. Review status: criteria provided, single submitter. Criteria: Myriad Autosomal Dominant, Autosomal Recessive and X-Linked Classification Criteria (2023). Collection method: clinical testing. Allele origin: unknown. Not counted in ClinVar's aggregate classification.
Comment: This variant is considered pathogenic. This variant creates a frameshift predicted to result in premature protein truncation.

Ambry Genetics
Classification: Pathogenic for Hereditary cancer-predisposing syndrome. Last evaluated: 2023-11-03. Review status: criteria provided, single submitter. Criteria: Ambry Variant Classification Scheme 2023. Collection method: clinical testing. Allele origin: germline. Not counted in ClinVar's aggregate classification.
Comment: The c.1671_1674delAATT pathogenic mutation, located in coding exon 9 of the BRCA2 gene, results from a deletion of 4 nucleotides at nucleotide positions 1671 to 1674, causing a translational frameshift with a predicted alternate stop codon (p.D559Mfs*13). This variant has been identified in at least one individual amongst cohorts with a personal history of breast and/or ovarian cancer (Azzollini J et al. Eur J Intern Med, 2016 Jul;32:65-71; Figlioli G et al. Cancers (Basel), 2021 Jan;13:). This variant is considered to be rare based on population cohorts in the Genome Aggregation Database (gnomAD). In addition to the clinical data presented in the literature, this alteration is expected to result in loss of function by premature protein truncation or nonsense-mediated mRNA decay. As such, this alteration is interpreted as a disease-causing mutation.

Consortium of Investigators of Modifiers of BRCA1/2 (CIMBA), c/o University of Cambridge
Classification: Pathogenic for Breast-ovarian cancer, familial, susceptibility to, 2. Last evaluated: 2015-10-02. Review status: criteria provided, single submitter. Criteria: CIMBA Mutation Classification guidelines May 2016. Collection method: clinical testing. Allele origin: germline. Not counted in ClinVar's aggregate classification.

Literature cited by the submitters: PubMed 27062684 (cited by Ambry Genetics); PubMed 33573335 (cited by Ambry Genetics).